The following is an entry in ClinVar:

ClinVar aggregate classification (germline): Uncertain significance (1 of 4 stars; one submission).

Conditions:
Bethlem myopathy 1A. Also called: Bethlem myopathy 1; MYOPATHY, BENIGN CONGENITAL, WITH CONTRACTURES; Bethlem Muscular Dystrophy. Identifiers: Orphanet 610, MedGen CN029274, MONDO:0024530, OMIM 158810.

Submission:

Labcorp Genetics (formerly Invitae), Labcorp
Classification: Uncertain significance for Bethlem myopathy 1A. Last evaluated: 2025-01-06. Review status: criteria provided, single submitter. Criteria: Invitae Variant Classification Sherloc (09022015). Collection method: clinical testing. Allele origin: germline.
Comment: This sequence change replaces cysteine, which is neutral and slightly polar, with arginine, which is basic and polar, at codon 3112 of the COL6A3 protein (p.Cys3112Arg). This variant is not present in population databases (gnomAD no frequency). This variant has not been reported in the literature in individuals affected with COL6A3-related conditions. ClinVar contains an entry for this variant (Variation ID: 2822007). Invitae Evidence Modeling of protein sequence and biophysical properties (such as structural, functional, and spatial information, amino acid conservation, physicochemical variation, residue mobility, and thermodynamic stability) has been performed for this missense variant. However, the output from this modeling did not meet the statistical confidence thresholds required to predict the impact of this variant on COL6A3 protein function. In summary, the available evidence is currently insufficient to determine the role of this variant in disease. Therefore, it has been classified as a Variant of Uncertain Significance.

NM_004369.4(COL6A3):c.9334T>C (p.Cys3112Arg)

Gene: COL6A3 (collagen type VI alpha 3 chain; minus strand). Cytogenetic location: 2q37.3.
Variant type: single nucleotide variant.
Coding change: c.9334T>C on transcript NM_004369.4 (MANE Select); coding-DNA position 9334, T replaced by C.
Protein change: p.Cys3112Arg; replaces cysteine 3112 with arginine.
Molecular consequence: missense variant.
Genome position (GRCh38, 1-based): chr2:237,325,719, A>G on the plus strand (T>C on the coding strand, the complement: COL6A3 is on the minus strand). VCF-style: chr2-237325719-A-G. GRCh37 (hg19) VCF-style: chr2-238234362-A-G.
Other names: c.7513T>C, p.Cys2505Arg (NM_057166.5); c.8716T>C, p.Cys2906Arg (NM_057167.4); short protein forms C2505R, C3112R, C2906R.
Identifiers: ClinVar variation 2822007 (VCV002822007.3), dbSNP rs2469765613, ClinGen allele CA351186070.